The following is an entry in ClinVar:

ClinVar aggregate classification (germline): Uncertain significance. Review status: criteria provided, multiple submitters, no conflicts (2 of 4 stars). 3 submissions from 3 submitters: Uncertain significance (2). 1 of the submissions does not count toward it. Last evaluated 2022-05-03.

Conditions:
Usher syndrome type 2A. Also called: RETINAL DISEASE IN USHER SYNDROME TYPE IIA, MODIFIER OF; USHER SYNDROME, TYPE IIA. Identifiers: Orphanet 231178, Orphanet 886, MedGen C1848634, MONDO:0010169, OMIM 276901.

Allele frequency attached by ClinVar (database versions not stated): gnomAD exomes below 0.00001; TOPMed below 0.00001; ExAC 0.00001.
gnomAD v4.1: 1 of 1,613,970 alleles (0.000062%); highest among the groups gnomAD compares: South Asian, 0.0011%; no homozygotes.

Submissions (3):

Labcorp Genetics (formerly Invitae), Labcorp
Classification: Uncertain significance. Last evaluated: 2022-05-03. Review status: criteria provided, single submitter. Criteria: Invitae Variant Classification Sherloc (09022015). Collection method: clinical testing. Allele origin: germline.
Comment: This sequence change replaces isoleucine, which is neutral and non-polar, with lysine, which is basic and polar, at codon 4607 of the USH2A protein (p.Ile4607Lys). This variant is present in population databases (rs764431065, gnomAD 0.003%). This variant has not been reported in the literature in individuals affected with USH2A-related conditions. ClinVar contains an entry for this variant (Variation ID: 953306). Algorithms developed to predict the effect of missense changes on protein structure and function are either unavailable or do not agree on the potential impact of this missense change (SIFT: "Deleterious"; PolyPhen-2: "Benign"; Align-GVGD: "Class C35"). In summary, the available evidence is currently insufficient to determine the role of this variant in disease. Therefore, it has been classified as a Variant of Uncertain Significance.

Blueprint Genetics
Classification: Uncertain significance. Last evaluated: 2020-03-10. Review status: criteria provided, single submitter. Criteria: ACMG Guidelines, 2015. Collection method: clinical testing. Allele origin: germline.

Natera, Inc.
Classification: Uncertain significance for Usher syndrome type 2A. Last evaluated: 2021-01-06. Review status: no assertion criteria provided. Collection method: clinical testing. Allele origin: germline. Not counted in ClinVar's aggregate classification.

NM_206933.4(USH2A):c.13820T>A (p.Ile4607Lys)

Gene: USH2A (usherin; minus strand). Cytogenetic location: 1q41.
Variant type: single nucleotide variant.
Coding change: c.13820T>A on transcript NM_206933.4 (MANE Select); coding-DNA position 13820, T replaced by A.
Protein change: p.Ile4607Lys; replaces isoleucine 4607 with lysine.
Molecular consequence: missense variant.
Genome position (GRCh38, 1-based): chr1:215,671,285, A>T on the plus strand (T>A on the coding strand, the complement: USH2A is on the minus strand). VCF-style: chr1-215671285-A-T. GRCh37 (hg19) VCF-style: chr1-215844627-A-T.
Other names: short protein forms I4607K.
Identifiers: ClinVar variation 953306 (VCV000953306.9), dbSNP rs764431065, ClinGen allele CA1393193.